The following is an entry in ClinVar:

ClinVar aggregate classification (germline): Uncertain significance. Review status: criteria provided, single submitter (1 of 4 stars). 2 submissions from 2 submitters: Uncertain significance (1). 1 of the submissions does not count toward it. Last evaluated 2023-06-14.

Conditions:
COL4A6-related disorder. Also called: COL4A6-related condition.

Allele frequency attached by ClinVar (database versions not stated): ExAC 0.00004; gnomAD 0.00002; gnomAD exomes 0.00005; TOPMed 0.00002.
gnomAD v4.1: 52 of 1,161,214 alleles (0.0045%); highest among the groups gnomAD compares: Non-Finnish European, 0.0055%; no homozygotes.

Submissions (2):

Labcorp Genetics (formerly Invitae), Labcorp
Classification: Uncertain significance. Last evaluated: 2023-06-14. Review status: criteria provided, single submitter. Criteria: Invitae Variant Classification Sherloc (09022015). Collection method: clinical testing. Allele origin: germline.
Comment: This sequence change falls in intron 12 of the COL4A6 gene. It does not directly change the encoded amino acid sequence of the COL4A6 protein. It affects a nucleotide within the consensus splice site. This variant is present in population databases (rs766522773, gnomAD 0.006%). This variant has not been reported in the literature in individuals affected with COL4A6-related conditions. ClinVar contains an entry for this variant (Variation ID: 2039179). Variants that disrupt the consensus splice site are a relatively common cause of aberrant splicing (PMID: 17576681, 9536098). Algorithms developed to predict the effect of sequence changes on RNA splicing suggest that this variant is not likely to affect RNA splicing. In summary, the available evidence is currently insufficient to determine the role of this variant in disease. Therefore, it has been classified as a Variant of Uncertain Significance.

PreventionGenetics, part of Exact Sciences
Classification: Likely benign for COL4A6-related condition. Last evaluated: 2023-07-11. Review status: no assertion criteria provided. Collection method: clinical testing. Allele origin: germline. Not counted in ClinVar's aggregate classification.
Comment: This variant is classified as likely benign based on ACMG/AMP sequence variant interpretation guidelines (Richards et al. 2015 PMID: 25741868, with internal and published modifications).

Literature cited by the submitters: PubMed 17576681 (cited by Labcorp Genetics (formerly Invitae), Labcorp); PubMed 9536098 (cited by Labcorp Genetics (formerly Invitae), Labcorp).

NM_033641.4(COL4A6):c.780+4G>A

Gene: COL4A6 (collagen type IV alpha 6 chain; minus strand). Cytogenetic location: Xq22.3.
Variant type: single nucleotide variant.
Coding change: c.780+4G>A on transcript NM_033641.4 (MANE Select); 4 bases into the intron after coding-DNA position 780, G replaced by A.
Molecular consequence: intron variant.
Genome position (GRCh38, 1-based): chrX:108,204,316, C>T on the plus strand (G>A on the coding strand, the complement: COL4A6 is on the minus strand). VCF-style: chrX-108204316-C-T. GRCh37 (hg19) VCF-style: chrX-107447546-C-T.
Other names: c.783+4G>A (NM_001847.3, NM_001847.4); c.780+4G>A (NM_001287760.2, NM_001287759.2, NM_001287758.2).
Identifiers: ClinVar variation 2039179 (VCV002039179.6), dbSNP rs766522773, ClinGen allele CA10488014.